The following is an entry in ClinVar:

NM_001042492.3(NF1):c.3496+2T>C

Gene: NF1 (neurofibromin 1; plus strand). Cytogenetic location: 17q11.2.
Variant type: single nucleotide variant.
Coding change: c.3496+2T>C on transcript NM_001042492.3 (MANE Select); the canonical splice donor site of the intron after coding-DNA position 3496, T replaced by C.
Molecular consequence: splice donor variant.
Genome position (GRCh38, 1-based): chr17:31,232,883, T>C. VCF-style: chr17-31232883-T-C. GRCh37 (hg19) VCF-style: chr17-29559901-T-C.
Other names: c.3496+2T>C (NM_000267.4).
Identifiers: ClinVar variation 1698903 (VCV001698903.7), dbSNP rs766143785, ClinGen allele CA398989555.

ClinVar aggregate classification (germline): Pathogenic. Review status: criteria provided, multiple submitters, no conflicts (2 of 4 stars). 2 submissions from 2 submitters: Pathogenic (2). Last evaluated 2025-01-23.

Conditions:
Neurofibromatosis, type 1 (NF1). Also called: VON RECKLINGHAUSEN DISEASE; NEUROFIBROMATOSIS, TYPE I, SOMATIC; Peripheral type neurofibromatosis; Neurofibromatosis, type I. Identifiers: Orphanet 636, MedGen C0027831, MONDO:0018975, OMIM 162200. Disease mechanism: loss of function.

Submissions (2):

Labcorp Genetics (formerly Invitae), Labcorp
Classification: Pathogenic for Neurofibromatosis, type 1. Last evaluated: 2025-01-23. Review status: criteria provided, single submitter. Criteria: Invitae Variant Classification Sherloc (09022015). Collection method: clinical testing. Allele origin: germline.
Comment: This sequence change affects a donor splice site in intron 26 of the NF1 gene. RNA analysis indicates that disruption of this splice site induces altered splicing and may result in an absent or altered protein product. This variant is not present in population databases (gnomAD no frequency). Disruption of this splice site has been observed in individual(s) with neurofibromatosis, type 1 (PMID: 9544853). In at least one individual the variant was observed to be de novo. ClinVar contains an entry for this variant (Variation ID: 1698903). Studies have shown that disruption of this splice site results in skipping of exon 26 (also known as exon 20), and produces a non-functional protein and/or introduces a premature termination codon (PMID: 9544853). For these reasons, this variant has been classified as Pathogenic.

Genetics and Molecular Pathology, SA Pathology
Classification: Pathogenic for Neurofibromatosis, type 1. Last evaluated: 2022-02-14. Review status: criteria provided, single submitter. Criteria: ACMG Guidelines, 2015. Collection method: clinical testing. Allele origin: germline. Inheritance: Autosomal dominant inheritance. Affected: yes.
Comment: The NF1 c.3496+2T>C variant is classified as Pathogenic (PVS1, PS4_Supporting, PS3, PM2, PM6) Computational predictions support a deleterious effect on splicing and a likely disruption of the protein reading frame and non-sense mediated decay of the resulting protein product (PVS1). This variant has been identified as a de novo variant in at least one affected patient with no family history of this condition (Klose et al., 1998, PMID:9544853) (PM6). The variant has been reported in probands with a clinical presentation of neurofibromatosis (Klose et al., 1998, PMID:9544853) (PS4_Supporting). This variant is absent from population databases (PM2). Well-established functional studies show a deleterious effect of this variant (Klose et al., 1998, PMID:9544853) (PS3). Sequencing confirmed that exon 26 had been skipped, and predicted to cause a frameshift leading to a premature stop codon 28 codons downstream. This variant has not been reported in dbSNP, ClinVar or HGMD.

Literature cited by the submitters: PubMed 9544853 (cited by Labcorp Genetics (formerly Invitae), Labcorp and Genetics and Molecular Pathology, SA Pathology).